The following is an entry in ClinVar:

ClinVar aggregate classification (germline): Conflicting classifications of pathogenicity. Review status: criteria provided, conflicting classifications (1 of 4 stars). 2 submissions from 2 submitters: Uncertain significance (1); Likely benign (1). Last evaluated 2026-01-19.

Conditions:
Familial hypercholesterolemia. Also called: Familial hypercholesterolemias; Familial hypercholesterolaemia. Identifiers: MedGen C0020445, MONDO:0005439.
Hypercholesterolemia, autosomal dominant, 3 (FHCL3). Also called: Familial hypercholesterolemia 3; Familial Hypercholesterolemia, Autosomal Dominant, 3; PCSK9-Related Familial Hypercholesterolemia, Autosomal Dominant. Identifiers: MedGen C1863551, MONDO:0011369, OMIM 603776.

Allele frequency attached by ClinVar (database versions not stated): gnomAD exomes below 0.00001 and 0.00001; ExAC 0.00001.
gnomAD v4.1: 3 of 1,614,172 alleles (0.00019%); highest among the groups gnomAD compares: Non-Finnish European, 0.00017%; no homozygotes.

Submissions (2):

Labcorp Genetics (formerly Invitae), Labcorp
Classification: Likely benign for Hypercholesterolemia, autosomal dominant, 3. Last evaluated: 2026-01-19. Review status: criteria provided, single submitter. Criteria: Invitae Variant Classification Sherloc (09022015). Collection method: clinical testing. Allele origin: germline.

Color Diagnostics, LLC DBA Color Health
Classification: Uncertain significance for Familial hypercholesterolemia. Last evaluated: 2019-12-29. Review status: criteria provided, single submitter. Criteria: ACMG Guidelines, 2015. Collection method: clinical testing. Allele origin: germline.
Comment: This variant causes a G>T nucleotide substitution at the -4 position of intron 2 of the PCSK9 gene. To our knowledge, functional studies have not been performed for this variant. This variant has not been reported in individuals affected with familial hypercholesterolemia in the literature. This variant has been identified in 2/251474 chromosomes in the general population by the Genome Aggregation Database (gnomAD). The available evidence is insufficient to determine the role of this variant in disease conclusively. Therefore, this variant is classified as a Variant of Uncertain Significance.

NM_174936.4(PCSK9):c.400-4G>T

Gene: PCSK9 (proprotein convertase subtilisin/kexin type 9; plus strand). Cytogenetic location: 1p32.3.
Variant type: single nucleotide variant.
Coding change: c.400-4G>T on transcript NM_174936.4 (MANE Select); 4 bases into the intron before coding-DNA position 400, G replaced by T.
Molecular consequence: intron variant.
Genome position (GRCh38, 1-based): chr1:55,046,519, G>T. VCF-style: chr1-55046519-G-T. GRCh37 (hg19) VCF-style: chr1-55512192-G-T.
Identifiers: ClinVar variation 924429 (VCV000924429.4), dbSNP rs751873016, ClinGen allele CA042019.